The following is an entry in ClinVar:

ClinVar aggregate classification (germline): Conflicting classifications of pathogenicity. Review status: criteria provided, conflicting classifications (1 of 4 stars). 6 submissions from 6 submitters: Uncertain significance (5); Likely benign (1). Last evaluated 2026-08-01.

Conditions:
GLUT1 deficiency syndrome 1, autosomal recessive. Identifiers: MedGen C3149117.

Allele frequency attached by ClinVar (database versions not stated): gnomAD exomes 0.00005; gnomAD 0.00003; TOPMed 0.00004; ExAC 0.00005; ESP Exome Variant Server 0.00008.

Submissions (6):

CeGaT Center for Human Genetics Tuebingen
Classification: Uncertain significance. Last evaluated: 2026-08-01. Review status: criteria provided, single submitter. Criteria: CeGaT Center For Human Genetics Tuebingen Variant Classification Criteria Version 2. Collection method: clinical testing. Allele origin: germline. Affected: yes. Observed: 1 variant allele.
Comment: SLC2A1: PM2:Supporting, PM5:Supporting, BP5

Labcorp Genetics (formerly Invitae), Labcorp
Classification: Uncertain significance for GLUT1 deficiency syndrome 1, autosomal recessive. Last evaluated: 2025-12-18. Review status: criteria provided, single submitter. Criteria: Invitae Variant Classification Sherloc (09022015). Collection method: clinical testing. Allele origin: germline.
Comment: This sequence change replaces arginine, which is basic and polar, with cysteine, which is neutral and slightly polar, at codon 218 of the SLC2A1 protein (p.Arg218Cys). This variant is present in population databases (rs147249343, gnomAD 0.01%). This missense change has been observed in individual(s) with clinical features of autosomal dominant SLC2A1-related conditions (PMID: 37273706). ClinVar contains an entry for this variant (Variation ID: 95415). Invitae Evidence Modeling incorporating data from in vitro experimental studies (internal data) indicates that this missense variant is not expected to disrupt SLC2A1 function with a negative predictive value of 95%. This variant disrupts the p.Arg218 amino acid residue in SLC2A1. Other variant(s) that disrupt this residue have been determined to be pathogenic (PMID: 31196579). This suggests that this residue is clinically significant, and that variants that disrupt this residue are likely to be disease-causing. In summary, the available evidence is currently insufficient to determine the role of this variant in disease. Therefore, it has been classified as a Variant of Uncertain Significance.

Blueprint Genetics
Classification: Uncertain significance. Last evaluated: 2024-09-18. Review status: criteria provided, single submitter. Criteria: ACMG Guidelines, 2015. Collection method: clinical testing. Allele origin: germline.

Revvity Omics, Revvity
Classification: Uncertain significance. Last evaluated: 2024-08-16. Review status: criteria provided, single submitter. Criteria: ACMG Guidelines, 2015. Collection method: clinical testing. Allele origin: germline.

GeneDx
Classification: Likely benign. Last evaluated: 2020-12-21. Review status: criteria provided, single submitter. Criteria: GeneDx Variant Classification Process June 2021. Collection method: clinical testing. Allele origin: germline. Affected: yes.
Comment: In silico analysis supports that this missense variant has a deleterious effect on protein structure/function; This variant is associated with the following publications: (PMID: 23280796, 16217704, 23340081)

Eurofins Ntd Llc (ga)
Classification: Uncertain significance. Last evaluated: 2013-05-02. Review status: criteria provided, single submitter. Criteria: EGL Classification Definitions 2015. Collection method: clinical testing. Allele origin: germline. Observed: 1 variant allele, 1 heterozygote.

Literature cited by the submitters: PubMed 37273706 (cited by Labcorp Genetics (formerly Invitae), Labcorp); PubMed 31196579 (cited by Labcorp Genetics (formerly Invitae), Labcorp).

NM_006516.4(SLC2A1):c.652C>T (p.Arg218Cys)

Gene: SLC2A1 (solute carrier family 2 member 1; minus strand). Cytogenetic location: 1p34.2.
Variant type: single nucleotide variant.
Coding change: c.652C>T on transcript NM_006516.4 (MANE Select); coding-DNA position 652, C replaced by T.
Protein change: p.Arg218Cys; replaces arginine 218 with cysteine.
Molecular consequence: missense variant.
Genome position (GRCh38, 1-based): chr1:42,929,900, G>A on the plus strand (C>T on the coding strand, the complement: SLC2A1 is on the minus strand). VCF-style: chr1-42929900-G-A. GRCh37 (hg19) VCF-style: chr1-43395571-G-A.
Other names: p.R218C:CGC>TGC; c.652C>T (NM_006516.3); short protein forms R218C.
Identifiers: ClinVar variation 95415 (VCV000095415.21), dbSNP rs147249343, ClinGen allele CA019237.